The following is an entry in ClinVar:

ClinVar aggregate classification (germline): Likely benign (0 of 4 stars; one submission).

Conditions:
IFT140-related disorder. Also called: IFT140-related condition.

Allele frequency attached by ClinVar (database versions not stated): gnomAD exomes below 0.00001; ExAC 0.00001.
gnomAD v4.1: 4 of 1,595,732 alleles (0.00025%); highest among the groups gnomAD compares: South Asian, 0.0023%; no homozygotes.

Submission:

PreventionGenetics, part of Exact Sciences
Classification: Likely benign for IFT140-related condition. Last evaluated: 2024-02-23. Review status: no assertion criteria provided. Collection method: clinical testing. Allele origin: germline.
Comment: This variant is classified as likely benign based on ACMG/AMP sequence variant interpretation guidelines (Richards et al. 2015 PMID: 25741868, with internal and published modifications).

NM_014714.4(IFT140):c.3999G>A (p.Gln1333=)

Gene: IFT140 (intraflagellar transport 140; minus strand). Cytogenetic location: 16p13.3.
Variant type: single nucleotide variant.
Coding change: c.3999G>A on transcript NM_014714.4 (MANE Select); coding-DNA position 3999, G replaced by A.
Protein change: p.Gln1333=; no amino-acid change (glutamine 1333 retained).
Molecular consequence: synonymous variant.
Genome position (GRCh38, 1-based): chr16:1,519,922, C>T on the plus strand (G>A on the coding strand, the complement: IFT140 is on the minus strand). VCF-style: chr16-1519922-C-T. GRCh37 (hg19) VCF-style: chr16-1569923-C-T.
Identifiers: ClinVar variation 3061144 (VCV003061144.2), dbSNP rs751530824, ClinGen allele CA7812957.